The following is an entry in ClinVar:

ClinVar aggregate classification (germline): Pathogenic (0 of 4 stars; one submission).

Conditions:
Charcot-Marie-Tooth disease type 2D (CMT2D). Also called: GARS1 Adolescent- or Early Adult-Onset Hereditary Motor/Sensory Neuropathy (GARS1-HMSN); Charcot-Marie-Tooth Neuropathy Type 2D; CHARCOT-MARIE-TOOTH DISEASE, AXONAL, TYPE 2D; CHARCOT-MARIE-TOOTH DISEASE, NEURONAL, TYPE 2D. Identifiers: Orphanet 99938, MedGen C1832274, MONDO:0011091, OMIM 601472.

Submission:

Department of Clinical Genetics, Nationwide Children's Hospital
Classification: Pathogenic for Charcot-Marie-Tooth disease type 2D. Last evaluated: 2022-02-21. Review status: no assertion criteria provided. Collection method: clinical testing, in vivo. Allele origin: maternal, not applicable. Inheritance: Autosomal dominant inheritance. Affected: yes. Observed: 5 variant alleles. Clinical features observed: Motor axonal neuropathy (HP:0007002), Steppage gait (HP:0003376), Distal sensory impairment (HP:0002936), Tremor (HP:0001337), Diminished deep tendon reflex (HP:0001315), Intrinsic hand muscle atrophy (HP:0008954), Weakness of long finger extensor muscles (HP:0009077), Distal amyotrophy (HP:0003693), Foot dorsiflexor weakness (HP:0009027), Pes planus (HP:0001763). Functional consequence: No function.
Comment: This sequence change replaces a proline with histidine at codon 336 of the GARS protein (p.Pro336His). The proline residue is highly conserved. This variant alters the same amino acid as an established pathogenic variant (p.Pro336Arg). Yeast complementation assays show this variant represents a loss-of-function allele. The variant is not present in population databases. The variant was shown to segregate with disease in one family (5 family members over 3 generations) affected with Charcot-Marie-Tooth disease. The variant was shown to segregate with disease in the affected family. Computational algorithms predict this variant to be likely disruptive.

NM_002047.4(GARS1):c.1007C>A (p.Pro336His)

Gene: GARS1 (glycyl-tRNA synthetase 1; plus strand). Cytogenetic location: 7p14.3.
Variant type: single nucleotide variant.
Coding change: c.1007C>A on transcript NM_002047.4 (MANE Select); coding-DNA position 1007, C replaced by A.
Protein change: p.Pro336His; replaces proline 336 with histidine.
Molecular consequence: missense variant.
Genome position (GRCh38, 1-based): chr7:30,612,221, C>A. VCF-style: chr7-30612221-C-A. GRCh37 (hg19) VCF-style: chr7-30651837-C-A.
Other names: c.845C>A, p.Pro282His (NM_001316772.1); short protein forms P282H, P336H.
Identifiers: ClinVar variation 1342184 (VCV001342184.5), dbSNP rs2128134025, ClinGen allele CA367125545.